The following is an entry in ClinVar:

ClinVar aggregate classification (germline): Benign. Review status: criteria provided, single submitter (1 of 4 stars). 2 submissions from 2 submitters: Benign (1). 1 of the submissions does not count toward it. Last evaluated 2026-01-06.

Conditions:
APRT-related disorder. Also called: APRT-related condition.

Allele frequency attached by ClinVar (database versions not stated): gnomAD exomes 0.00016; ExAC 0.00122; ESP Exome Variant Server 0.00145; gnomAD 0.00187; TOPMed 0.00211; 1000 Genomes Project 0.00260; 1000 Genomes Project 30x 0.00297.

Submissions (3):

Labcorp Genetics (formerly Invitae), Labcorp
Classification: Benign. Last evaluated: 2026-01-06. Review status: criteria provided, single submitter. Criteria: Invitae Variant Classification Sherloc (09022015). Collection method: clinical testing. Allele origin: germline.

PreventionGenetics, part of Exact Sciences
Classification: Likely benign for APRT-related condition. Last evaluated: 2023-10-30. Review status: no assertion criteria provided. Collection method: clinical testing. Allele origin: germline. Not counted in ClinVar's aggregate classification.
Comment: This variant is classified as likely benign based on ACMG/AMP sequence variant interpretation guidelines (Richards et al. 2015 PMID: 25741868, with internal and published modifications).

Dr. Peter K. Rogan Lab, Western University
No classification provided (evidence only). Condition: Clear cell carcinoma of kidney. Review status: no classification provided. Collection method: in vitro. Allele origin: not applicable. Functional consequence: skipped exon, retained intron. Not counted in ClinVar's aggregate classification.

NM_000485.3(APRT):c.185C>T (p.Ala62Val)

Gene: APRT (adenine phosphoribosyltransferase; minus strand). Cytogenetic location: 16q24.3.
Variant type: single nucleotide variant.
Coding change: c.185C>T on transcript NM_000485.3 (MANE Select); coding-DNA position 185, C replaced by T.
Protein change: p.Ala62Val; replaces alanine 62 with valine.
Molecular consequence: missense variant.
Genome position (GRCh38, 1-based): chr16:88,811,552, G>A on the plus strand (C>T on the coding strand, the complement: APRT is on the minus strand). VCF-style: chr16-88811552-G-A. GRCh37 (hg19) VCF-style: chr16-88877960-G-A.
Other names: c.185C>T, p.Ala62Val (NM_001030018.2); c.185C>T (NM_000485.2); short protein forms A62V.
Identifiers: ClinVar variation 2070367 (VCV002070367.7), dbSNP rs201579274, ClinGen allele CA8234545.